The following is an entry in ClinVar:

NM_000789.4(ACE):c.1669T>C (p.Cys557Arg)

Gene: ACE (angiotensin I converting enzyme; plus strand). Cytogenetic location: 17q23.3.
Variant type: single nucleotide variant.
Coding change: c.1669T>C on transcript NM_000789.4 (MANE Select); coding-DNA position 1669, T replaced by C.
Protein change: p.Cys557Arg; replaces cysteine 557 with arginine.
Molecular consequence: missense variant.
Genome position (GRCh38, 1-based): chr17:63,483,931, T>C. VCF-style: chr17-63483931-T-C. GRCh37 (hg19) VCF-style: chr17-61561292-T-C.
Other names: c.1102T>C, p.Cys368Arg (NM_001382700.1); c.817T>C, p.Cys273Arg (NM_001382701.1); short protein forms C368R, C273R, C557R.
Identifiers: ClinVar variation 1928509 (VCV001928509.5), dbSNP rs1012505443, ClinGen allele CA292877960.

ClinVar aggregate classification (germline): Uncertain significance (1 of 4 stars; one submission).

Allele frequency attached by ClinVar (database versions not stated): gnomAD exomes below 0.00001; gnomAD 0.00001; TOPMed 0.00002.
gnomAD v4.1: 9 of 1,613,944 alleles (0.00056%); highest among the groups gnomAD compares: Middle Eastern, 0.016%; no homozygotes.

Submission:

Labcorp Genetics (formerly Invitae), Labcorp
Classification: Uncertain significance. Last evaluated: 2022-06-01. Review status: criteria provided, single submitter. Criteria: Invitae Variant Classification Sherloc (09022015). Collection method: clinical testing. Allele origin: germline.
Comment: This sequence change replaces cysteine, which is neutral and slightly polar, with arginine, which is basic and polar, at codon 557 of the ACE protein (p.Cys557Arg). In summary, the available evidence is currently insufficient to determine the role of this variant in disease. Therefore, it has been classified as a Variant of Uncertain Significance. Algorithms developed to predict the effect of missense changes on protein structure and function (SIFT, PolyPhen-2, Align-GVGD) all suggest that this variant is likely to be disruptive. This variant has not been reported in the literature in individuals affected with ACE-related conditions. This variant is present in population databases (no rsID available, gnomAD 0.01%).